The following is an entry in ClinVar:

NM_005585.5(SMAD6):c.198dup (p.Arg67fs)

Gene: SMAD6 (SMAD family member 6; plus strand). Cytogenetic location: 15q22.31.
Variant type: Duplication.
Coding change: c.198dup on transcript NM_005585.5 (MANE Select); coding-DNA position 198, one base duplicated (G; older notation c.198dupG).
Protein change: p.Arg67fs; shifts the reading frame from arginine 67.
Molecular consequence: frameshift variant. On other transcripts: non-coding transcript variant (1).
Genome position (GRCh38, 1-based): chr15:66,703,456, G duplicated; the last of 2 consecutive G bases (chr15:66,703,455-66,703,456); duplicating either gives the same sequence. VCF-style (leftmost placement, unchanged base first): chr15-66703454-C-CG. GRCh37 (hg19) VCF-style: chr15-66995792-C-CG.
Other names: short protein forms R67fs.
Identifiers: ClinVar variation 3686898 (VCV003686898.2).

ClinVar aggregate classification (germline): Uncertain significance (1 of 4 stars; one submission).

Conditions:
Aortic valve disease 2 (AOVD2). Identifiers: MedGen C3542024, MONDO:0013902, OMIM 614823.

Submission:

Labcorp Genetics (formerly Invitae), Labcorp
Classification: Uncertain significance for Aortic valve disease 2. Last evaluated: 2024-03-20. Review status: criteria provided, single submitter. Criteria: Invitae Variant Classification Sherloc (09022015). Collection method: clinical testing. Allele origin: germline.
Comment: This sequence change creates a premature translational stop signal (p.Arg67Alafs*54) in the SMAD6 gene. It is expected to result in an absent or disrupted protein product. However, the current clinical and genetic evidence is not sufficient to establish whether loss-of-function variants in SMAD6 cause disease. This variant is not present in population databases (gnomAD no frequency). This variant has not been reported in the literature in individuals affected with SMAD6-related conditions. In summary, the available evidence is currently insufficient to determine the role of this variant in disease. Therefore, it has been classified as a Variant of Uncertain Significance.